The following is an entry in ClinVar:

NM_020719.3(PRR12):c.229C>T (p.His77Tyr)

Gene: PRR12 (proline rich 12; plus strand). Cytogenetic location: 19q13.33.
Variant type: single nucleotide variant.
Coding change: c.229C>T on transcript NM_020719.3 (MANE Select); coding-DNA position 229, C replaced by T.
Protein change: p.His77Tyr; replaces histidine 77 with tyrosine.
Molecular consequence: missense variant.
Genome position (GRCh38, 1-based): chr19:49,594,483, C>T. VCF-style: chr19-49594483-C-T. GRCh37 (hg19) VCF-style: chr19-50097740-C-T.
Other names: short protein forms H77Y.
Identifiers: ClinVar variation 4088039 (VCV004088039.1).
Genomic context (GRCh38, chr19:49,594,483, plus strand): 5'-CTGGCTGACTATAACCCCTGTCCCCGGCCAGGCCTCTCTGGACTCTTCGACACTGGCCTC[C>T]ACCACGCGGGCTCAGCAGGGCCCGACGCCTCCGTCATGAACCTTATCTCGGCCCTGGAAT-3'
Protein context (NP_065770.1, residues 67-87): GLSGLFDTGL[His77Tyr]HAGSAGPDAS

ClinVar aggregate classification (germline): Uncertain significance (1 of 4 stars; one submission).

Submission:

GeneDx
Classification: Uncertain significance. Last evaluated: 2025-03-26. Review status: criteria provided, single submitter. Criteria: GeneDx Variant Classification Process June 2021. Collection method: clinical testing. Allele origin: germline. Affected: yes.
Comment: Not observed at significant frequency in large population cohorts (gnomAD); In silico analysis supports that this missense variant has a deleterious effect on protein structure/function; Has not been previously published as pathogenic or benign to our knowledge